The following is an entry in ClinVar:

ClinVar aggregate classification (germline): Uncertain significance. Review status: criteria provided, multiple submitters, no conflicts (2 of 4 stars). 4 submissions from 4 submitters: Uncertain significance (4). Last evaluated 2026-08-24.

Conditions:
Arrhythmogenic right ventricular dysplasia 9 (ARVD9). Also called: Arrhythmogenic Right Ventricular Dysplasia/Cardiomyopathy 9; ARRHYTHMOGENIC RIGHT VENTRICULAR DYSPLASIA, FAMILIAL, 9. Identifiers: MedGen C1836906, MONDO:0012180, OMIM 609040.
Cardiomyopathy (CMYO). Also called: Cardiomyopathies. Identifiers: Orphanet 167848, MedGen C0878544, MONDO:0004994, HP:0001638. Inheritance: Various modes of inheritance.
PKP2-related disorder. Also called: PKP2-related condition.
Cardiovascular phenotype. Identifiers: MedGen CN230736.

Allele frequency attached by ClinVar (database versions not stated): ExAC 0.00002.
gnomAD v4.1: 8 of 1,609,320 alleles (0.0005%); highest among the groups gnomAD compares: Admixed American, 0.012%; no homozygotes.

Submissions (4):

PreventionGenetics, part of Exact Sciences
Classification: Uncertain significance for PKP2-related condition. Last evaluated: 2026-08-24. Review status: criteria provided, single submitter. Criteria: ACMG Guidelines, 2015. Collection method: clinical testing. Allele origin: germline.
Comment: The PKP2 c.274T>G variant is predicted to result in the amino acid substitution p.Leu92Val. To our knowledge, this variant has not been reported in the literature. This variant is reported in 0.014% of alleles in individuals of Latino descent in gnomAD. At this time, the clinical significance of this variant is uncertain due to the absence of conclusive functional and genetic evidence.

Labcorp Genetics (formerly Invitae), Labcorp
Classification: Uncertain significance for Arrhythmogenic right ventricular dysplasia 9. Last evaluated: 2025-02-06. Review status: criteria provided, single submitter. Criteria: Invitae Variant Classification Sherloc (09022015). Collection method: clinical testing. Allele origin: germline.
Comment: This sequence change replaces leucine, which is neutral and non-polar, with valine, which is neutral and non-polar, at codon 92 of the PKP2 protein (p.Leu92Val). This variant is present in population databases (rs773851296, gnomAD 0.01%). This variant has not been reported in the literature in individuals affected with PKP2-related conditions. ClinVar contains an entry for this variant (Variation ID: 1516953). An algorithm developed to predict the effect of missense changes on protein structure and function (PolyPhen-2) suggests that this variant is likely to be tolerated. In summary, the available evidence is currently insufficient to determine the role of this variant in disease. Therefore, it has been classified as a Variant of Uncertain Significance.

Color Diagnostics, LLC DBA Color Health
Classification: Uncertain significance for Cardiomyopathy. Last evaluated: 2023-07-20. Review status: criteria provided, single submitter. Criteria: ACMG Guidelines, 2015. Collection method: clinical testing. Allele origin: germline.
Comment: This missense variant replaces leucine with valine at codon 92 of the PKP2 protein. Computational prediction suggests that this variant may not impact protein structure and function. To our knowledge, functional studies have not been reported for this variant. This variant has not been reported in individuals affected with PKP2-related disorders in the literature. This variant has been identified in 5/251428 chromosomes in the general population by the Genome Aggregation Database (gnomAD). The available evidence is insufficient to determine the role of this variant in disease conclusively. Therefore, this variant is classified as a Variant of Uncertain Significance.

Ambry Genetics
Classification: Uncertain significance for Cardiovascular phenotype. Last evaluated: 2023-06-29. Review status: criteria provided, single submitter. Criteria: Ambry Variant Classification Scheme 2023. Collection method: clinical testing. Allele origin: germline.
Comment: The p.L92V variant (also known as c.274T>G), located in coding exon 2 of the PKP2 gene, results from a T to G substitution at nucleotide position 274. The leucine at codon 92 is replaced by valine, an amino acid with highly similar properties. This amino acid position is conserved. In addition, this alteration is predicted to be tolerated by in silico analysis. Since supporting evidence is limited at this time, the clinical significance of this alteration remains unclear.

NM_001005242.3(PKP2):c.274T>G (p.Leu92Val)

Gene: PKP2 (plakophilin 2; minus strand). Cytogenetic location: 12p11.21.
Variant type: single nucleotide variant.
Coding change: c.274T>G on transcript NM_001005242.3 (MANE Select); coding-DNA position 274, T replaced by G.
Protein change: p.Leu92Val; replaces leucine 92 with valine.
Molecular consequence: missense variant.
Genome position (GRCh38, 1-based): chr12:32,878,982, A>C on the plus strand (T>G on the coding strand, the complement: PKP2 is on the minus strand). VCF-style: chr12-32878982-A-C. GRCh37 (hg19) VCF-style: chr12-33031916-A-C.
Other names: c.274T>G (NM_004572.3); c.274T>G, p.Leu92Val (NM_004572.4); short protein forms L92V.
Identifiers: ClinVar variation 1516953 (VCV001516953.10), dbSNP rs773851296, ClinGen allele CA036423.